The following is an entry in ClinVar:

ClinVar aggregate classification (germline): Uncertain significance. Review status: criteria provided, multiple submitters, no conflicts (2 of 4 stars). 2 submissions from 2 submitters: Uncertain significance (2). Last evaluated 2021-08-09.

Conditions:
Brugada syndrome. Also called: Sudden unexplained nocturnal death syndrome; Sudden Unexplained Death Syndrome; Sudden Unexplained Nocturnal Death Syndrome (SUNDS); Sudden unexpected nocturnal death syndrome. Identifiers: Orphanet 130, MedGen C1142166, MONDO:0015263.
Cardiovascular phenotype. Identifiers: MedGen CN230736.

Allele frequency attached by ClinVar (database versions not stated): TOPMed 0.00002.
gnomAD v4.1: 11 of 1,612,956 alleles (0.00068%); highest among the groups gnomAD compares: Non-Finnish European, 0.00093%; no homozygotes.

Submissions (2):

Ambry Genetics
Classification: Uncertain significance for Cardiovascular phenotype. Last evaluated: 2021-08-09. Review status: criteria provided, single submitter. Criteria: Ambry Variant Classification Scheme 2023. Collection method: clinical testing. Allele origin: germline.

Labcorp Genetics (formerly Invitae), Labcorp
Classification: Uncertain significance for Brugada syndrome. Last evaluated: 2019-09-19. Review status: criteria provided, single submitter. Criteria: Invitae Variant Classification Sherloc (09022015). Collection method: clinical testing. Allele origin: germline.
Comment: In summary, the available evidence is currently insufficient to determine the role of this variant in disease. Therefore, it has been classified as a Variant of Uncertain Significance. Algorithms developed to predict the effect of missense changes on protein structure and function (SIFT, PolyPhen-2, Align-GVGD) all suggest that this variant is likely to be tolerated, but these predictions have not been confirmed by published functional studies and their clinical significance is uncertain. This variant has not been reported in the literature in individuals with CACNA2D1-related conditions. This variant is not present in population databases (ExAC no frequency). This sequence change replaces arginine with leucine at codon 76 of the CACNA2D1 protein (p.Arg76Leu). The arginine residue is moderately conserved and there is a moderate physicochemical difference between arginine and leucine.

NM_000722.4(CACNA2D1):c.227G>T (p.Arg76Leu)

Gene: CACNA2D1 (calcium voltage-gated channel auxiliary subunit alpha2delta 1; minus strand). Cytogenetic location: 7q21.11.
Variant type: single nucleotide variant.
Coding change: c.227G>T on transcript NM_000722.4 (MANE Select); coding-DNA position 227, G replaced by T.
Protein change: p.Arg76Leu; replaces arginine 76 with leucine.
Molecular consequence: missense variant.
Genome position (GRCh38, 1-based): chr7:82,335,202, C>A on the plus strand (G>T on the coding strand, the complement: CACNA2D1 is on the minus strand). VCF-style: chr7-82335202-C-A. GRCh37 (hg19) VCF-style: chr7-81964518-C-A.
Other names: c.227G>T, p.Arg76Leu (NM_001302890.2, NM_001366867.1); c.227G>T (NM_000722.2); short protein forms R76L.
Identifiers: ClinVar variation 935484 (VCV000935484.10), dbSNP rs200298945, ClinGen allele CA161637050.
Genomic context (GRCh38, chr7:82,335,202, plus strand): 5'-GCTTTAGATCTGTTGCTCAGAAGTTTCTCAATATCCCTGGCTGCAATTTCTACCAGCTGG[C>A]GTGCATTATTTGGTTCCACAGTATACAAATCTTGATATTTCTCATAAATCTGTGTGAAAG-3'
Protein context (NP_000713.2, residues 66-86): DLYTVEPNNA[Arg76Leu]QLVEIAARDI